The following is an entry in ClinVar:

ClinVar aggregate classification (germline): Pathogenic. Review status: criteria provided, multiple submitters, no conflicts (2 of 4 stars). 2 submissions from 2 submitters: Pathogenic (2). Last evaluated 2026-05-05.

Conditions:
KCNH2-related disorder. Also called: KCNH2-related condition; KCNH2-related disorders.
Long QT syndrome (LQTS). Identifiers: MedGen C0023976, MeSH D008133, MONDO:0002442. Disease mechanism: loss of function. Inheritance: Various modes of inheritance.

Submissions (2):

PreventionGenetics, part of Exact Sciences
Classification: Pathogenic for KCNH2-related condition. Last evaluated: 2026-05-05. Review status: criteria provided, single submitter. Criteria: ACMG Guidelines, 2015. Collection method: clinical testing. Allele origin: germline.
Comment: The KCNH2 c.2218dupT variant is predicted to result in a frameshift and premature protein termination (p.Cys740Leufs*64). This variant has been reported in a long QT syndrome cohort (Splawski et al. 2000. PubMed ID: 10973849). This variant has not been reported in a large population database (gnomAD), indicating this variant is rare. Frameshift variants in KCNH2 are expected to be pathogenic. This variant is interpreted as pathogenic.

Labcorp Genetics (formerly Invitae), Labcorp
Classification: Pathogenic for Long QT syndrome. Last evaluated: 2017-06-05. Review status: criteria provided, single submitter. Criteria: Invitae Variant Classification Sherloc (09022015). Collection method: clinical testing. Allele origin: germline.
Comment: For these reasons, this variant has been classified as Pathogenic. Loss-of-function variants in KCNH2 are known to be pathogenic. This particular variant has been reported in the literature in one individual affected with long QT syndrome (PMID: 10973849). This variant is also known as H739fs/63 in the literature. This sequence change inserts 1 nucleotide in exon 9 of the KCNH2 mRNA (c.2218dupT), causing a frameshift at codon 740. This creates a premature translational stop signal (p.Cys740Leufs*64) and is expected to result in an absent or disrupted protein product.

Literature cited by the submitters: PubMed 10973849 (cited by Labcorp Genetics (formerly Invitae), Labcorp).

NM_000238.4(KCNH2):c.2218dup (p.Cys740fs)

Gene: KCNH2 (potassium voltage-gated channel subfamily H member 2; minus strand). Cytogenetic location: 7q36.1.
Variant type: Duplication.
Coding change: c.2218dup on transcript NM_000238.4 (MANE Select); coding-DNA position 2218, one base duplicated (T; older notation c.2218dupT).
Protein change: p.Cys740fs; shifts the reading frame from cysteine 740.
Molecular consequence: frameshift variant.
Genome position (GRCh38, 1-based): chr7:150,950,348, A duplicated on the plus strand (T on the coding strand, the reverse complement: KCNH2 is on the minus strand). VCF-style (leftmost placement, unchanged base first): chr7-150950347-C-CA. GRCh37 (hg19) VCF-style: chr7-150647435-C-CA.
Other names: c.1198dup, p.Cys400fs (NM_001204798.2, NM_172057.3); c.1930dup, p.Cys644Leufs (NM_001406753.1, NM_001406756.1); c.2041dup, p.Cys681Leufs (NM_001406755.1); c.1918dup, p.Cys640Leufs (NM_001406757.1); c.2218dup, p.Cys740Leufs (NM_172056.3); c.2218dupT (NM_000238.3); short protein forms C400fs, C740fs.
Identifiers: ClinVar variation 456904 (VCV000456904.11), dbSNP rs1554425284, ClinGen allele CA658656023.